The following is an entry in ClinVar:

ClinVar aggregate classification (germline): Uncertain significance (1 of 4 stars; one submission).

Submission:

Labcorp Genetics (formerly Invitae), Labcorp
Classification: Uncertain significance. Last evaluated: 2025-07-06. Review status: criteria provided, single submitter. Criteria: Invitae Variant Classification Sherloc (09022015). Collection method: clinical testing. Allele origin: germline.
Comment: This sequence change replaces lysine, which is basic and polar, with methionine, which is neutral and non-polar, at codon 399 of the DRP2 protein (p.Lys399Met). This variant is not present in population databases (gnomAD no frequency). This variant has not been reported in the literature in individuals affected with DRP2-related conditions. Invitae Evidence Modeling of protein sequence and biophysical properties (such as structural, functional, and spatial information, amino acid conservation, physicochemical variation, residue mobility, and thermodynamic stability) has been performed for this missense variant. However, the output from this modeling did not meet the statistical confidence thresholds required to predict the impact of this variant on DRP2 protein function. In summary, the available evidence is currently insufficient to determine the role of this variant in disease. Therefore, it has been classified as a Variant of Uncertain Significance.

NM_001939.3(DRP2):c.1196A>T (p.Lys399Met)

Gene: DRP2 (dystrophin related protein 2; plus strand). Cytogenetic location: Xq22.1.
Variant type: single nucleotide variant.
Coding change: c.1196A>T on transcript NM_001939.3 (MANE Select); coding-DNA position 1196, A replaced by T.
Protein change: p.Lys399Met; replaces lysine 399 with methionine.
Molecular consequence: missense variant.
Genome position (GRCh38, 1-based): chrX:101,247,108, A>T. VCF-style: chrX-101247108-A-T. GRCh37 (hg19) VCF-style: chrX-100502097-A-T.
Other names: c.962A>T, p.Lys321Met (NM_001171184.2); short protein forms K399M, K321M.
Identifiers: ClinVar variation 4742484 (VCV004742484.1).